The following is an entry in ClinVar:

NM_144997.7(FLCN):c.512G>C (p.Ser171Thr)

Gene: FLCN (folliculin; minus strand). Cytogenetic location: 17p11.2.
Variant type: single nucleotide variant.
Coding change: c.512G>C on transcript NM_144997.7 (MANE Select); coding-DNA position 512, G replaced by C.
Protein change: p.Ser171Thr; replaces serine 171 with threonine.
Molecular consequence: missense variant.
Genome position (GRCh38, 1-based): chr17:17,224,028, C>G on the plus strand (G>C on the coding strand, the complement: FLCN is on the minus strand). VCF-style: chr17-17224028-C-G. GRCh37 (hg19) VCF-style: chr17-17127342-C-G.
Other names: c.566G>C, p.Ser189Thr (NM_001353229.2); c.512G>C, p.Ser171Thr (NM_001353230.2, NM_001353231.2, NM_144606.7); short protein forms S171T, S189T.
Identifiers: ClinVar variation 2586511 (VCV002586511.2), dbSNP rs2144977216, ClinGen allele CA398534393.

ClinVar aggregate classification (germline): Uncertain significance (1 of 4 stars; one submission).

Conditions:
Hereditary cancer-predisposing syndrome. Also called: Hereditary neoplastic syndrome; Tumor predisposition; Hereditary Cancer Syndrome; Neoplastic Syndromes, Hereditary. Identifiers: Orphanet 140162, MedGen C0027672, MeSH D009386, MONDO:0015356.

Submission:

Ambry Genetics
Classification: Uncertain significance for Hereditary cancer-predisposing syndrome. Last evaluated: 2023-09-16. Review status: criteria provided, single submitter. Criteria: Ambry Variant Classification Scheme 2023. Collection method: clinical testing. Allele origin: germline.
Comment: The p.S171T variant (also known as c.512G>C), located in coding exon 3 of the FLCN gene, results from a G to C substitution at nucleotide position 512. The serine at codon 171 is replaced by threonine, an amino acid with similar properties. This amino acid position is conserved. In addition, this alteration is predicted to be deleterious by in silico analysis. Since supporting evidence is limited at this time, the clinical significance of this alteration remains unclear.